The following is an entry in ClinVar:

ClinVar aggregate classification (germline): Likely benign. Review status: criteria provided, multiple submitters, no conflicts (2 of 4 stars). 2 submissions from 2 submitters: Likely benign (2). Last evaluated 2022-11-01.

Conditions:
Hereditary cancer-predisposing syndrome. Also called: Neoplastic Syndromes, Hereditary; Hereditary Cancer Syndrome; Tumor predisposition; Hereditary neoplastic syndrome. Identifiers: Orphanet 140162, MedGen C0027672, MeSH D009386, MONDO:0015356.

Submissions (2):

CeGaT Center for Human Genetics Tuebingen
Classification: Likely benign. Last evaluated: 2022-11-01. Review status: criteria provided, single submitter. Criteria: CeGaT Center For Human Genetics Tuebingen Variant Classification Criteria Version 2. Collection method: clinical testing. Allele origin: germline. Affected: yes. Observed: 1 variant allele.
Comment: RET: BP4, BP7

Ambry Genetics
Classification: Likely benign for Hereditary cancer-predisposing syndrome. Last evaluated: 2015-09-02. Review status: criteria provided, single submitter. Criteria: Ambry Variant Classification Scheme 2023. Collection method: clinical testing. Allele origin: germline.

NM_020975.6(RET):c.1521A>T (p.Ser507=)

Gene: RET (ret proto-oncogene; plus strand). Cytogenetic location: 10q11.21.
Variant type: single nucleotide variant.
Coding change: c.1521A>T on transcript NM_020975.6 (MANE Select); coding-DNA position 1521, A replaced by T.
Protein change: p.Ser507=; no amino-acid change (serine 507 retained).
Molecular consequence: synonymous variant. On other transcripts: intron variant (15).
Genome position (GRCh38, 1-based): chr10:43,111,464, A>T. VCF-style: chr10-43111464-A-T. GRCh37 (hg19) VCF-style: chr10-43606912-A-T.
Other names: c.1521A>T, p.Ser507= (NM_000323.2, NM_001406743.1, NM_001406744.1 and 6 more transcripts); c.759A>T, p.Ser253= (NM_001355216.2); c.1392A>T, p.Ser464= (NM_001406761.1, NM_001406762.1, NM_001406764.1 and 1 more transcripts); c.1233A>T, p.Ser411= (NM_001406766.1, NM_001406767.1, NM_001406770.1); c.1125A>T, p.Ser375= (NM_001406769.1, NM_001406772.1); c.1083A>T, p.Ser361= (NM_001406771.1, NM_001406773.1); c.996A>T, p.Ser332= (NM_001406774.1); c.795A>T, p.Ser265= (NM_001406775.1, NM_001406776.1, NM_001406777.1 and 1 more transcripts); and 5 more.
Identifiers: ClinVar variation 233668 (VCV000233668.31), dbSNP rs876660561, ClinGen allele CA10578864.